The following is an entry in ClinVar:

NM_001098511.3(KIF2A):c.1761-11_1761-10inv

Gene: KIF2A (kinesin family member 2A; plus strand). Cytogenetic location: 5q12.1.
Variant type: Inversion.
Coding change: c.1761-11_1761-10inv on transcript NM_001098511.3 (MANE Select).
Molecular consequence: intron variant.
Genome position: GRCh38 VCF-style: chr5-62373676-TG-CA. GRCh37 (hg19) VCF-style: chr5-61669503-TG-CA.
Other names: c.1566-11_1566-10inv (NM_001243952.2); c.1647-11_1647-10inv (NM_004520.5); c.1590-11_1590-10inv (NM_001243953.2).
Identifiers: ClinVar variation 2700503 (VCV002700503.3), ClinGen allele CA2697547190.

ClinVar aggregate classification (germline): Uncertain significance (1 of 4 stars; one submission).

Submission:

Labcorp Genetics (formerly Invitae), Labcorp
Classification: Uncertain significance. Last evaluated: 2023-12-02. Review status: criteria provided, single submitter. Criteria: Invitae Variant Classification Sherloc (09022015). Collection method: clinical testing. Allele origin: germline.
Comment: This sequence change falls in intron 17 of the KIF2A gene. It does not directly change the encoded amino acid sequence of the KIF2A protein. Information on the frequency of this variant in the gnomAD database is not available, as this variant may be reported differently in the database. This variant has not been reported in the literature in individuals affected with KIF2A-related conditions. Experimental studies and prediction algorithms are not available or were not evaluated, and the effect of this variant on mRNA splicing is currently unknown. In summary, the available evidence is currently insufficient to determine the role of this variant in disease. Therefore, it has been classified as a Variant of Uncertain Significance.